The following is an entry in ClinVar:

ClinVar aggregate classification (germline): Likely benign. Review status: criteria provided, multiple submitters, no conflicts (2 of 4 stars). 3 submissions from 3 submitters: Likely benign (3). Last evaluated 2025-10-09.

Conditions:
Arrhythmogenic cardiomyopathy with wooly hair and keratoderma. Also called: Arrhythmogenic cardiomyopathy with woolly hair and keratoderma; Carvajal syndrome; Dilated cardiomyopathy with woolly hair and keratoderma; PALMOPLANTAR KERATODERMA WITH LEFT VENTRICULAR CARDIOMYOPATHY AND WOOLLY HAIR. Identifiers: Orphanet 65282, MedGen C1854063, MONDO:0011581, OMIM 605676.
Arrhythmogenic right ventricular dysplasia 8 (ARVD8). Also called: ARRHYTHMOGENIC RIGHT VENTRICULAR DYSPLASIA, FAMILIAL, 8; ARRHYTHMOGENIC RIGHT VENTRICULAR CARDIOMYOPATHY 8; Arrhythmogenic Right Ventricular Dysplasia/Cardiomyopathy 8. Identifiers: MedGen C1843896, MONDO:0011831, OMIM 607450.

Allele frequency attached by ClinVar (database versions not stated): gnomAD 0.00001; gnomAD exomes 0.00001 and 0.00004; ExAC 0.00002; TOPMed 0.00004.
gnomAD v4.1: 15 of 1,613,938 alleles (0.00093%); highest among the groups gnomAD compares: Admixed American, 0.018%; no homozygotes.

Submissions (4):

Labcorp Genetics (formerly Invitae), Labcorp
Classification: Likely benign for Arrhythmogenic cardiomyopathy with wooly hair and keratoderma; Arrhythmogenic right ventricular dysplasia 8. Last evaluated: 2025-10-09. Review status: criteria provided, single submitter. Criteria: Invitae Variant Classification Sherloc (09022015). Collection method: clinical testing. Allele origin: germline.

Women's Health and Genetics/Laboratory Corporation of America, LabCorp
Classification: Likely benign. Last evaluated: 2024-12-12. Review status: criteria provided, single submitter. Criteria: LabCorp Variant Classification Summary - May 2015. Collection method: clinical testing. Allele origin: germline.

GeneDx
Classification: Likely benign. Last evaluated: 2016-11-01. Review status: criteria provided, single submitter. Criteria: GeneDx Variant Classification (06012015). Collection method: clinical testing. Allele origin: germline. Affected: yes.
Comment: This variant is considered likely benign or benign based on one or more of the following criteria: it is a conservative change, it occurs at a poorly conserved position in the protein, it is predicted to be benign by multiple in silico algorithms, and/or has population frequency not consistent with disease.

Dr. Peter K. Rogan Lab, Western University
No classification provided (evidence only). Condition: Ovarian serous cystadenocarcinoma. Review status: no classification provided. Collection method: in vitro. Allele origin: not applicable. Functional consequence: retained intron. Not counted in ClinVar's aggregate classification.

NM_004415.4(DSP):c.1575-16C>G

Gene: DSP (desmoplakin; plus strand). Cytogenetic location: 6p24.3.
Variant type: single nucleotide variant.
Coding change: c.1575-16C>G on transcript NM_004415.4 (MANE Select); 16 bases into the intron before coding-DNA position 1575, C replaced by G.
Molecular consequence: intron variant.
Genome position (GRCh38, 1-based): chr6:7,570,421, C>G. VCF-style: chr6-7570421-C-G. GRCh37 (hg19) VCF-style: chr6-7570654-C-G.
Other names: c.1575-16C>G (LRG_423t1, NM_001319034.2, NM_001008844.3 and 1 more transcripts).
Identifiers: ClinVar variation 390342 (VCV000390342.12), dbSNP rs756806835, ClinGen allele CA028912.
Genomic context (GRCh38, chr6:7,570,421, plus strand): 5'-GAGCGTGTCCAGGTTTCCCATTTGGGATGAAGTGTGAAAGCCTGGCTCTAGCATGTTTTC[C>G]CTTTGTGCCTCTTAGGATTGAGCAGTACTACGAAGCCATCTTGGCTCTGTGGAACCAGCT-3'